The following is an entry in ClinVar:

ClinVar aggregate classification (germline): Uncertain significance. Review status: criteria provided, multiple submitters, no conflicts (2 of 4 stars). 2 submissions from 2 submitters: Uncertain significance (2). Last evaluated 2025-05-19.

Conditions:
Mucopolysaccharidosis type 1. Also called: IDUA deficiency; MPS I; Mucopolysaccharidosis Type I. Identifiers: Orphanet 579, MedGen C0023786, MONDO:0001586.

gnomAD v4.1: 1 of 1,609,940 alleles (0.000062%); no homozygotes.

Submissions (2):

Revvity Omics, Revvity
Classification: Uncertain significance. Last evaluated: 2025-05-19. Review status: criteria provided, single submitter. Criteria: ACMG Guidelines, 2015. Collection method: clinical testing. Allele origin: germline.

Labcorp Genetics (formerly Invitae), Labcorp
Classification: Uncertain significance for Mucopolysaccharidosis type 1. Last evaluated: 2025-04-11. Review status: criteria provided, single submitter. Criteria: Invitae Variant Classification Sherloc (09022015). Collection method: clinical testing. Allele origin: germline.
Comment: This sequence change replaces proline, which is neutral and non-polar, with leucine, which is neutral and non-polar, at codon 81 of the IDUA protein (p.Pro81Leu). This variant is not present in population databases (gnomAD no frequency). This variant has not been reported in the literature in individuals affected with IDUA-related conditions. Invitae Evidence Modeling of protein sequence and biophysical properties (such as structural, functional, and spatial information, amino acid conservation, physicochemical variation, residue mobility, and thermodynamic stability) indicates that this missense variant is expected to disrupt IDUA protein function with a positive predictive value of 95%. In summary, the available evidence is currently insufficient to determine the role of this variant in disease. Therefore, it has been classified as a Variant of Uncertain Significance.

NM_000203.5(IDUA):c.242C>T (p.Pro81Leu)

Genes: IDUA (alpha-L-iduronidase; plus strand), SLC26A1 (solute carrier family 26 member 1; minus strand). Cytogenetic location: 4p16.3.
Variant type: single nucleotide variant.
Coding change: c.242C>T on transcript NM_000203.5 (MANE Select); coding-DNA position 242, C replaced by T.
Protein change: p.Pro81Leu; replaces proline 81 with leucine.
Molecular consequence: missense variant. On other transcripts: 3 prime UTR variant (2), non-coding transcript variant (1), intron variant (1).
Genome position (GRCh38, 1-based): chr4:987,892, C>T. VCF-style: chr4-987892-C-T. GRCh37 (hg19) VCF-style: chr4-981680-C-T.
Other names: c.*941G>A (NM_022042.4, NM_213613.4); c.576+3236G>A (NM_134425.4); short protein forms P81L.
Identifiers: ClinVar variation 4078982 (VCV004078982.2).
Genomic context (GRCh38, chr4:987,892, plus strand): 5'-CTGACCAGTACGTCCTCAGCTGGGACCAGCAGCTCAACCTCGCCTATGTGGGCGCCGTCC[C>T]TCACCGCGGCATCAAGCAGGTCCGGACCCACTGGCTGCTGGAGCTTGTCACCACCAGGTG-3'
Protein context (NP_000194.2, residues 71-91): QLNLAYVGAV[Pro81Leu]HRGIKQVRTH